The following is an entry in ClinVar:

NM_001242.5(CD27):c.193T>G (p.Cys65Gly)

Genes: CD27 (CD27 molecule; plus strand), CD27-AS1 (CD27 antisense RNA 1; minus strand). Cytogenetic location: 12p13.31.
Variant type: single nucleotide variant.
Coding change: c.193T>G on transcript NM_001242.5 (MANE Select); coding-DNA position 193, T replaced by G.
Protein change: p.Cys65Gly; replaces cysteine 65 with glycine.
Molecular consequence: missense variant.
Genome position (GRCh38, 1-based): chr12:6,445,480, T>G. VCF-style: chr12-6445480-T-G. GRCh37 (hg19) VCF-style: chr12-6554646-T-G.
Other names: short protein forms C65G.
Identifiers: ClinVar variation 1346482 (VCV001346482.8), dbSNP rs1216605934, ClinGen allele CA383547073.

ClinVar aggregate classification (germline): Uncertain significance (1 of 4 stars; one submission).

Conditions:
Lymphoproliferative syndrome 2 (LPFS2). Also called: CD27 DEFICIENCY; Combined immunodeficiency due to CD27 deficiency. Identifiers: Orphanet 238505, MedGen C3554540, MONDO:0014054, OMIM 615122.

Submission:

Labcorp Genetics (formerly Invitae), Labcorp
Classification: Uncertain significance for Lymphoproliferative syndrome 2. Last evaluated: 2020-11-12. Review status: criteria provided, single submitter. Criteria: Invitae Variant Classification Sherloc (09022015). Collection method: clinical testing. Allele origin: germline.
Comment: In summary, the available evidence is currently insufficient to determine the role of this variant in disease. Therefore, it has been classified as a Variant of Uncertain Significance. This sequence change replaces cysteine with glycine at codon 65 of the CD27 protein (p.Cys65Gly). The cysteine residue is highly conserved and there is a large physicochemical difference between cysteine and glycine. This variant is not present in population databases (ExAC no frequency). This variant has not been reported in the literature in individuals with CD27-related conditions. Algorithms developed to predict the effect of missense changes on protein structure and function (SIFT, PolyPhen-2, Align-GVGD) all suggest that this variant is likely to be disruptive, but these predictions have not been confirmed by published functional studies and their clinical significance is uncertain.